The following is an entry in ClinVar:

NM_004415.4(DSP):c.5475C>A (p.Asp1825Glu)

Gene: DSP (desmoplakin; plus strand). Cytogenetic location: 6p24.3.
Variant type: single nucleotide variant.
Coding change: c.5475C>A on transcript NM_004415.4 (MANE Select); coding-DNA position 5475, C replaced by A.
Protein change: p.Asp1825Glu; replaces aspartic acid 1825 with glutamic acid.
Molecular consequence: missense variant.
Genome position (GRCh38, 1-based): chr6:7,582,737, C>A. VCF-style: chr6-7582737-C-A. GRCh37 (hg19) VCF-style: chr6-7582970-C-A.
Other names: c.3678C>A, p.Asp1226Glu (NM_001008844.3); c.4146C>A, p.Asp1382Glu (NM_001319034.2); short protein forms D1226E, D1382E, D1825E.
Identifiers: ClinVar variation 3071698 (VCV003071698.3), dbSNP rs2533936093, ClinGen allele CA362688707.

ClinVar aggregate classification (germline): Uncertain significance. Review status: criteria provided, multiple submitters, no conflicts (2 of 4 stars). 2 submissions from 2 submitters: Uncertain significance (2). Last evaluated 2025-03-10.

Conditions:
Arrhythmogenic cardiomyopathy with wooly hair and keratoderma. Also called: PALMOPLANTAR KERATODERMA WITH LEFT VENTRICULAR CARDIOMYOPATHY AND WOOLLY HAIR; Carvajal syndrome; Dilated cardiomyopathy with woolly hair and keratoderma; Arrhythmogenic cardiomyopathy with woolly hair and keratoderma. Identifiers: Orphanet 65282, MedGen C1854063, MONDO:0011581, OMIM 605676.
Arrhythmogenic right ventricular dysplasia 8 (ARVD8). Also called: ARRHYTHMOGENIC RIGHT VENTRICULAR DYSPLASIA, FAMILIAL, 8; ARRHYTHMOGENIC RIGHT VENTRICULAR CARDIOMYOPATHY 8; Arrhythmogenic Right Ventricular Dysplasia/Cardiomyopathy 8. Identifiers: MedGen C1843896, MONDO:0011831, OMIM 607450.

Submissions (2):

Labcorp Genetics (formerly Invitae), Labcorp
Classification: Uncertain significance for Arrhythmogenic cardiomyopathy with wooly hair and keratoderma; Arrhythmogenic right ventricular dysplasia 8. Last evaluated: 2025-03-10. Review status: criteria provided, single submitter. Criteria: Invitae Variant Classification Sherloc (09022015). Collection method: clinical testing. Allele origin: germline.
Comment: This sequence change replaces aspartic acid, which is acidic and polar, with glutamic acid, which is acidic and polar, at codon 1825 of the DSP protein (p.Asp1825Glu). This variant is not present in population databases (gnomAD no frequency). This variant has not been reported in the literature in individuals affected with DSP-related conditions. ClinVar contains an entry for this variant (Variation ID: 3071698). An algorithm developed to predict the effect of missense changes on protein structure and function outputs the following: PolyPhen-2: "Benign". The glutamic acid amino acid residue is found in multiple mammalian species, which suggests that this missense change does not adversely affect protein function. In summary, the available evidence is currently insufficient to determine the role of this variant in disease. Therefore, it has been classified as a Variant of Uncertain Significance.

All of Us Research Program, National Institutes of Health
Classification: Uncertain significance for Arrhythmogenic cardiomyopathy with wooly hair and keratoderma. Last evaluated: 2024-06-11. Review status: criteria provided, single submitter. Criteria: ACMG Guidelines, 2015. Collection method: clinical testing. Allele origin: germline. Inheritance: Autosomal dominant inheritance. Observed: 2 variant alleles, 2 heterozygotes.
Comment: This study involves interpretation of variants in research participants for the purpose of population health screening. Participant phenotype was not available at the time of variant classification. Additional details can be found in publication PMID: 35346344, PMCID: PMC8962531